The following is an entry in ClinVar:

NM_015335.5(MED13L):c.3459del (p.Asn1154fs)

Gene: MED13L (mediator complex subunit 13L; minus strand). Cytogenetic location: 12q24.21.
Variant type: Deletion.
Coding change: c.3459del on transcript NM_015335.5 (MANE Select); coding-DNA position 3459, one base deleted (C; older notation c.3459delC).
Protein change: p.Asn1154fs; shifts the reading frame from asparagine 1154.
Molecular consequence: frameshift variant.
Genome position (GRCh38, 1-based): chr12:115,991,495, G deleted on the plus strand (C on the coding strand, the reverse complement: MED13L is on the minus strand); the first of 2 consecutive G bases (chr12:115,991,495-115,991,496); deleting either gives the same sequence. VCF-style (leftmost placement, unchanged base first): chr12-115991494-TG-T. GRCh37 (hg19) VCF-style: chr12-116429299-TG-T.
Other names: p.Asn1154Metfs*15; short protein forms N1154fs.
Identifiers: ClinVar variation 2687879 (VCV002687879.1), dbSNP rs2499856672, ClinGen allele CA2697551532.

ClinVar aggregate classification (germline): Pathogenic (1 of 4 stars; one submission).

Conditions:
Cardiac anomalies - developmental delay - facial dysmorphism syndrome (MRFACD). Also called: Impaired intellectual development and distinctive facial features with or without cardiac defects; MED13L Syndrome. Identifiers: Orphanet 369891, MedGen C5192431, MONDO:0014773, OMIM 616789.

Submission:

Clinical Genomics Laboratory, Stanford Medicine
Classification: Pathogenic for Cardiac anomalies - developmental delay - facial dysmorphism syndrome. Last evaluated: 2021-04-12. Review status: criteria provided, single submitter. Criteria: ACMG Guidelines, 2015. Collection method: clinical testing. Allele origin: germline. Inheritance: Autosomal dominant inheritance. Affected: yes. Observed: 1 heterozygote.
Comment: This variant was absent from large population databases, including the Genome Aggregation Database. The p.Asn1154Metfs*15 variant results in a 1bp deletion, which causes a shift in the protein reading frame, leading to a premature termination codon 15 amino acids downstream. Heterozygous loss of function is an established mechanism of disease for the MED13L gene. These data were assessed using the ACMG/AMP variant interpretation guidelines. In summary, there is sufficient evidence to classify the p.Asn1154Metfs*15 variant as pathogenic for autosomal dominant MED13L-related intellectual disability based on the information above. [ACMG evidence codes used: PVS1; PS2_moderate; PM2]